The following is an entry in ClinVar:

NC_000019.9:g.(?_8654106)_(8654895_?)del

Gene: ADAMTS10 (ADAM metallopeptidase with thrombospondin type 1 motif 10; minus strand). Cytogenetic location: 19p13.2.
Variant type: Deletion.
Identifiers: ClinVar variation 3242715 (VCV003242715.1).

ClinVar aggregate classification (germline): Pathogenic (1 of 4 stars; one submission).

Submission:

Labcorp Genetics (formerly Invitae), Labcorp
Classification: Pathogenic. Last evaluated: 2022-10-19. Review status: criteria provided, single submitter. Criteria: Invitae Variant Classification Sherloc (09022015). Collection method: clinical testing. Allele origin: unknown.
Comment: For these reasons, this variant has been classified as Pathogenic. This variant has not been reported in the literature in individuals affected with ADAMTS10-related conditions. This variant is a gross deletion of the genomic region encompassing exon(s) 16-18 of the ADAMTS10 gene. This deletion is out-of-frame, and is expected to create a premature termination codon and result in an absent or disrupted protein product. Loss-of-function variants in ADAMTS10 are known to be pathogenic (PMID: 15368195, 18567016).

Literature cited by the submitters: PubMed 15368195; PubMed 18567016.